The following is an entry in ClinVar:

ClinVar aggregate classification (germline): Likely benign (0 of 4 stars; one submission).

Conditions:
YRDC-related disorder. Also called: YRDC-related condition.

Submission:

PreventionGenetics, part of Exact Sciences
Classification: Likely benign for YRDC-related condition. Last evaluated: 2022-07-06. Review status: no assertion criteria provided. Collection method: clinical testing. Allele origin: germline.
Comment: This variant is classified as likely benign based on ACMG/AMP sequence variant interpretation guidelines (Richards et al. 2015 PMID: 25741868, with internal and published modifications).

NM_024640.4(YRDC):c.210G>C (p.Leu70=)

Genes: C1orf122 (chromosome 1 open reading frame 122; plus strand), YRDC (yrdC N6-threonylcarbamoyltransferase domain containing; minus strand), LOC129930167 (ATAC-STARR-seq lymphoblastoid silent region 680; plus strand). Cytogenetic location: 1p34.3.
Variant type: single nucleotide variant.
Coding change: c.210G>C on transcript NM_024640.4 (MANE Select); coding-DNA position 210, G replaced by C.
Protein change: p.Leu70=; no amino-acid change (leucine 70 retained).
Molecular consequence: synonymous variant. On other transcripts: 5 prime UTR variant (2).
Genome position (GRCh38, 1-based): chr1:37,807,971, C>G on the plus strand (G>C on the coding strand, the complement: YRDC is on the minus strand). VCF-style: chr1-37807971-C-G. GRCh37 (hg19) VCF-style: chr1-38273643-C-G.
Other names: c.-490C>G (NM_001142726.2); c.-434C>G (NM_198446.3).
Identifiers: ClinVar variation 3055198 (VCV003055198.2), dbSNP rs2524523428, ClinGen allele CA417268513.